The following is an entry in ClinVar:

ClinVar aggregate classification (germline): Uncertain significance (1 of 4 stars; one submission).

Conditions:
Epilepsy, familial focal, with variable foci 3 (FFEVF3). Identifiers: MedGen C4310708, MONDO:0014925, OMIM 617118.

Submission:

Labcorp Genetics (formerly Invitae), Labcorp
Classification: Uncertain significance for Epilepsy, familial focal, with variable foci 3. Last evaluated: 2024-02-15. Review status: criteria provided, single submitter. Criteria: Invitae Variant Classification Sherloc (09022015). Collection method: clinical testing. Allele origin: germline.
Comment: This sequence change replaces glutamine, which is neutral and polar, with histidine, which is basic and polar, at codon 392 of the NPRL3 protein (p.Gln392His). This variant is not present in population databases (gnomAD no frequency). This variant has not been reported in the literature in individuals affected with NPRL3-related conditions. Advanced modeling of protein sequence and biophysical properties (such as structural, functional, and spatial information, amino acid conservation, physicochemical variation, residue mobility, and thermodynamic stability) performed at Invitae indicates that this missense variant is not expected to disrupt NPRL3 protein function with a negative predictive value of 80%. In summary, the available evidence is currently insufficient to determine the role of this variant in disease. Therefore, it has been classified as a Variant of Uncertain Significance.

NM_001077350.3(NPRL3):c.1176G>C (p.Gln392His)

Genes: HBA-LCR (alpha-globin locus control region; plus strand), NPRL3 (NPR3 like, GATOR1 complex subunit; minus strand). Cytogenetic location: 16p13.3.
Variant type: single nucleotide variant.
Coding change: c.1176G>C on transcript NM_001077350.3 (MANE Select); coding-DNA position 1176, G replaced by C.
Protein change: p.Gln392His; replaces glutamine 392 with histidine.
Molecular consequence: missense variant.
Genome position (GRCh38, 1-based): chr16:89,888, C>G on the plus strand (G>C on the coding strand, the complement: NPRL3 is on the minus strand). VCF-style: chr16-89888-C-G. GRCh37 (hg19) VCF-style: chr16-139886-C-G.
Other names: c.639G>C, p.Gln213His (NM_001039476.3); c.942G>C, p.Gln314His (NM_001243247.2); c.1101G>C, p.Gln367His (NM_001243248.2, NM_001243249.2); short protein forms Q367H, Q392H, Q213H, Q314H.
Identifiers: ClinVar variation 3641077 (VCV003641077.2).
Genomic context (GRCh38, chr16:89,888, plus strand): 5'-CAGGCAGACATAGGTGTGCAGCTGGATGAGAAGCCGGCGCTGCAGCATCCACACCACCAT[C>G]TGGATGAGCTGGGTCTGCGGGTGGCAGCAGGTGAGGCTGGTCCCCCTCCCCACTCCAACT-3'
Protein context (NP_001070818.1, residues 382-402): APAVQETQLI[Gln392His]MVVWMLQRRL